The following is an entry in ClinVar:

NM_000944.5(PPP3CA):c.579A>G (p.Gln193=)

Gene: PPP3CA (protein phosphatase 3 catalytic subunit alpha; minus strand). Cytogenetic location: 4q24.
Variant type: single nucleotide variant.
Coding change: c.579A>G on transcript NM_000944.5 (MANE Select); coding-DNA position 579, A replaced by G.
Protein change: p.Gln193=; no amino-acid change (glutamine 193 retained).
Molecular consequence: synonymous variant.
Genome position (GRCh38, 1-based): chr4:101,098,430, T>C on the plus strand (A>G on the coding strand, the complement: PPP3CA is on the minus strand). VCF-style: chr4-101098430-T-C. GRCh37 (hg19) VCF-style: chr4-102019587-T-C.
Other names: c.579A>G, p.Gln193= (NM_001130691.2, NM_001130692.2); c.579A>G (NM_000944.4).
Identifiers: ClinVar variation 1298964 (VCV001298964.42), dbSNP rs146283025, ClinGen allele CA3024459.

ClinVar aggregate classification (germline): Likely benign. Review status: criteria provided, multiple submitters, no conflicts (2 of 4 stars). 4 submissions from 4 submitters: Likely benign (4). Last evaluated 2026-08-01.

Conditions:
PPP3CA-related disorder. Also called: PPP3CA-related disorders; PPP3CA-related condition.

Allele frequency attached by ClinVar (database versions not stated): gnomAD exomes 0.00008 and 0.00011; ExAC 0.00011; gnomAD 0.00015; 1000 Genomes Project 0.00020; TOPMed 0.00021; 1000 Genomes Project 30x 0.00031; ESP Exome Variant Server 0.00038.
gnomAD v4.1: 183 of 1,612,822 alleles (0.011%); highest among the groups gnomAD compares: African/African-American, 0.032%; no homozygotes.

Submissions (4):

CeGaT Center for Human Genetics Tuebingen
Classification: Likely benign. Last evaluated: 2026-08-01. Review status: criteria provided, single submitter. Criteria: CeGaT Center For Human Genetics Tuebingen Variant Classification Criteria Version 2. Collection method: clinical testing. Allele origin: germline. Affected: yes. Observed: 6 variant alleles.
Comment: PPP3CA: BP4, BP7

Labcorp Genetics (formerly Invitae), Labcorp
Classification: Likely benign. Last evaluated: 2026-02-03. Review status: criteria provided, single submitter. Criteria: Invitae Variant Classification Sherloc (09022015). Collection method: clinical testing. Allele origin: germline.

PreventionGenetics, part of Exact Sciences
Classification: Likely benign for PPP3CA-related condition. Last evaluated: 2024-12-18. Review status: criteria provided, single submitter. Criteria: ACMG Guidelines, 2015. Collection method: clinical testing. Allele origin: germline.
Comment: This variant is classified as likely benign based on ACMG/AMP sequence variant interpretation guidelines (Richards et al. 2015 PMID: 25741868, with internal and published modifications).

Blueprint Genetics
Classification: Likely benign. Last evaluated: 2024-01-22. Review status: criteria provided, single submitter. Criteria: ACMG Guidelines, 2015. Collection method: clinical testing. Allele origin: germline.